The following is an entry in ClinVar:

ClinVar aggregate classification (germline): Uncertain significance (1 of 4 stars; one submission).

Conditions:
Cutis laxa, autosomal dominant 3 (ADCL3). Identifiers: Orphanet 90348, MedGen C4225268, MONDO:0014706, OMIM 616603.
Autosomal dominant spastic paraplegia type 9. Identifiers: MedGen C1832669, MONDO:0015091.
de Barsy syndrome. Also called: Cutis laxa-corneal clouding-oligophrenia syndrome. Identifiers: Orphanet 2962, MedGen C0268354, MONDO:0017569.

Submission:

Labcorp Genetics (formerly Invitae), Labcorp
Classification: Uncertain significance for Autosomal dominant spastic paraplegia type 9; de Barsy syndrome; Cutis laxa, autosomal dominant 3. Last evaluated: 2025-07-13. Review status: criteria provided, single submitter. Criteria: Invitae Variant Classification Sherloc (09022015). Collection method: clinical testing. Allele origin: germline.
Comment: This sequence change falls in intron 16 of the ALDH18A1 gene. It does not directly change the encoded amino acid sequence of the ALDH18A1 protein. It affects a nucleotide within the consensus splice site. This variant is not present in population databases (gnomAD no frequency). This variant has not been reported in the literature in individuals affected with ALDH18A1-related conditions. Variants that disrupt the consensus splice site are a relatively common cause of aberrant splicing (PMID: 17576681, 9536098). Algorithms developed to predict the effect of sequence changes on RNA splicing suggest that this variant may disrupt the consensus splice site. In summary, the available evidence is currently insufficient to determine the role of this variant in disease. Therefore, it has been classified as a Variant of Uncertain Significance.

Literature cited by the submitters: PubMed 17576681; PubMed 9536098.

NM_002860.4(ALDH18A1):c.2110+6T>G

Gene: ALDH18A1 (aldehyde dehydrogenase 18 family member A1; minus strand). Cytogenetic location: 10q24.1.
Variant type: single nucleotide variant.
Coding change: c.2110+6T>G on transcript NM_002860.4 (MANE Select); 6 bases into the intron after coding-DNA position 2110, T replaced by G.
Molecular consequence: intron variant.
Genome position (GRCh38, 1-based): chr10:95,611,250, A>C on the plus strand (T>G on the coding strand, the complement: ALDH18A1 is on the minus strand). VCF-style: chr10-95611250-A-C. GRCh37 (hg19) VCF-style: chr10-97371007-A-C.
Other names: c.1474+6T>G (NM_001323419.2); c.1777+6T>G (NM_001323412.2, NM_001323416.2); c.2005+6T>G (NM_001323417.2); c.2104+6T>G (NM_001017423.2, NM_001323415.2); c.1771+6T>G (NM_001323418.2); c.2110+6T>G (NM_001323413.2, NM_001323414.2).
Identifiers: ClinVar variation 4785559 (VCV004785559.1).